The following is an entry in ClinVar:

NM_080911.3(UNG):c.134C>T (p.Ala45Val)

Gene: UNG (uracil DNA glycosylase; plus strand). Cytogenetic location: 12q24.11.
Variant type: single nucleotide variant.
Coding change: c.134C>T on transcript NM_080911.3 (MANE Select); coding-DNA position 134, C replaced by T.
Protein change: p.Ala45Val; replaces alanine 45 with valine.
Molecular consequence: missense variant.
Genome position (GRCh38, 1-based): chr12:109,098,433, C>T. VCF-style: chr12-109098433-C-T. GRCh37 (hg19) VCF-style: chr12-109536238-C-T.
Other names: c.107C>T, p.Ala36Val (NM_003362.4); short protein forms A45V, A36V.
Identifiers: ClinVar variation 1965928 (VCV001965928.5), dbSNP rs768590866, ClinGen allele CA6772503.

ClinVar aggregate classification (germline): Uncertain significance (1 of 4 stars; one submission).

Conditions:
Hyper-IgM syndrome type 5 (HIGM5). Also called: Hyper-IgM Immunodeficiency Syndrome, Type 5. Identifiers: Orphanet 101092, MedGen C1720958, MONDO:0011971, OMIM 608106.

Allele frequency attached by ClinVar (database versions not stated): TOPMed below 0.00001; ExAC 0.00001; gnomAD 0.00001; gnomAD exomes 0.00001.
gnomAD v4.1: 6 of 1,606,796 alleles (0.00037%); highest among the groups gnomAD compares: African/African-American, 0.0013%; no homozygotes.

Submission:

Labcorp Genetics (formerly Invitae), Labcorp
Classification: Uncertain significance for Hyper-IgM syndrome type 5. Last evaluated: 2022-02-20. Review status: criteria provided, single submitter. Criteria: Invitae Variant Classification Sherloc (09022015). Collection method: clinical testing. Allele origin: germline.
Comment: In summary, the available evidence is currently insufficient to determine the role of this variant in disease. Therefore, it has been classified as a Variant of Uncertain Significance. Algorithms developed to predict the effect of missense changes on protein structure and function output the following: SIFT: "Tolerated"; PolyPhen-2: "Benign"; Align-GVGD: "Class C0". The valine amino acid residue is found in multiple mammalian species, which suggests that this missense change does not adversely affect protein function. This variant has not been reported in the literature in individuals affected with UNG-related conditions. This variant is present in population databases (rs768590866, gnomAD 0.0009%). This sequence change replaces alanine, which is neutral and non-polar, with valine, which is neutral and non-polar, at codon 45 of the UNG protein (p.Ala45Val).